The following is an entry in ClinVar:

ClinVar aggregate classification (germline): Likely pathogenic (1 of 4 stars; one submission).

Conditions:
Rubinstein-Taybi syndrome due to CREBBP mutations (RSTS1). Also called: RUBINSTEIN-TAYBI SYNDROME 1, INCOMPLETE; RUBINSTEIN SYNDROME; Rubinstein-Taybi syndrome 1; CREBBP-Related Rubinstein-Taybi Syndrome; BROAD THUMB-HALLUX SYNDROME; BROAD THUMBS AND GREAT TOES, CHARACTERISTIC FACIES, AND IMPAIRED INTELLECTUAL DEVELOPMENT. Identifiers: Orphanet 353277, Orphanet 783, MedGen C4551859, MONDO:0008393, OMIM 180849.

Submission:

3billion
Classification: Likely pathogenic for Rubinstein-Taybi syndrome due to CREBBP mutations. Last evaluated: 2025-12-10. Review status: criteria provided, single submitter. Criteria: ACMG Guidelines, 2015. Collection method: clinical testing. Allele origin: germline. Affected: yes.
Comment: The variant is not observed in the gnomAD v4.1.0 dataset. Predicted Consequence/Location: Frameshift: predicted to result in a loss or disruption of normal protein function through nonsense-mediated decay (NMD) or protein truncation. Multiple pathogenic variants are reported downstream of the variant. Therefore, this variant is classified as Likely pathogenic according to the recommendation of ACMG/AMP guideline.

NM_004380.3(CREBBP):c.2306del (p.Met769fs)

Gene: CREBBP (CREB binding lysine acetyltransferase; minus strand). Cytogenetic location: 16p13.3.
Variant type: Deletion.
Coding change: c.2306del on transcript NM_004380.3 (MANE Select); coding-DNA position 2306, one base deleted (T; older notation c.2306delT).
Protein change: p.Met769fs; shifts the reading frame from methionine 769.
Molecular consequence: frameshift variant.
Genome position (GRCh38, 1-based): chr16:3,773,908, A deleted on the plus strand (T on the coding strand, the reverse complement: CREBBP is on the minus strand). VCF-style (leftmost placement, unchanged base first): chr16-3773907-CA-C. GRCh37 (hg19) VCF-style: chr16-3823908-CA-C.
Other names: c.2192del, p.Met731fs (NM_001079846.1); short protein forms M731fs, M769fs.
Identifiers: ClinVar variation 4854888 (VCV004854888.1).